The following is an entry in ClinVar:

NM_005228.5(EGFR):c.2962C>A (p.His988Asn)

Gene: EGFR (epidermal growth factor receptor; plus strand). Cytogenetic location: 7p11.2.
Variant type: single nucleotide variant.
Coding change: c.2962C>A on transcript NM_005228.5 (MANE Select); coding-DNA position 2962, C replaced by A.
Protein change: p.His988Asn; replaces histidine 988 with asparagine.
Molecular consequence: missense variant.
Genome position (GRCh38, 1-based): chr7:55,201,203, C>A. VCF-style: chr7-55201203-C-A. GRCh37 (hg19) VCF-style: chr7-55268896-C-A.
Other names: c.2827C>A, p.His943Asn (NM_001346897.2, NM_001346899.2); c.2962C>A, p.His988Asn (NM_001346898.2); c.2803C>A, p.His935Asn (NM_001346900.2); c.2161C>A, p.His721Asn (NM_001346941.2); short protein forms H988N, H721N, H935N, H943N.
Identifiers: ClinVar variation 958828 (VCV000958828.10), dbSNP rs1787830990, ClinGen allele CA367582367.

ClinVar aggregate classification (germline): Uncertain significance. Review status: criteria provided, multiple submitters, no conflicts (2 of 4 stars). 2 submissions from 2 submitters: Uncertain significance (2). Last evaluated 2026-07-07.

Conditions:
EGFR-related lung cancer (EGFR). Identifiers: MedGen CN130014.
Hereditary cancer-predisposing syndrome. Also called: Neoplastic Syndromes, Hereditary; Hereditary Cancer Syndrome; Tumor predisposition; Hereditary neoplastic syndrome. Identifiers: Orphanet 140162, MedGen C0027672, MeSH D009386, MONDO:0015356.

Submissions (2):

Ambry Genetics
Classification: Uncertain significance for Hereditary cancer-predisposing syndrome. Last evaluated: 2026-07-07. Review status: criteria provided, single submitter. Criteria: Ambry Variant Classification Scheme 2023. Collection method: clinical testing. Allele origin: germline.
Comment: The p.H988N variant (also known as c.2962C>A), located in coding exon 25 of the EGFR gene, results from a C to A substitution at nucleotide position 2962. The histidine at codon 988 is replaced by asparagine, an amino acid with similar properties. This amino acid position is conserved. In addition, this alteration is predicted to be tolerated by in silico analysis. Based on the available evidence, the clinical significance of this variant remains unclear.

Labcorp Genetics (formerly Invitae), Labcorp
Classification: Uncertain significance for EGFR-related lung cancer. Last evaluated: 2024-12-04. Review status: criteria provided, single submitter. Criteria: Invitae Variant Classification Sherloc (09022015). Collection method: clinical testing. Allele origin: germline.
Comment: This sequence change replaces histidine, which is basic and polar, with asparagine, which is neutral and polar, at codon 988 of the EGFR protein (p.His988Asn). This variant is not present in population databases (gnomAD no frequency). This variant has not been reported in the literature in individuals affected with EGFR-related conditions. ClinVar contains an entry for this variant (Variation ID: 958828). Invitae Evidence Modeling of protein sequence and biophysical properties (such as structural, functional, and spatial information, amino acid conservation, physicochemical variation, residue mobility, and thermodynamic stability) indicates that this missense variant is not expected to disrupt EGFR protein function with a negative predictive value of 80%. In summary, the available evidence is currently insufficient to determine the role of this variant in disease. Therefore, it has been classified as a Variant of Uncertain Significance.